The following is an entry in ClinVar:

ClinVar aggregate classification (germline): Uncertain significance (1 of 4 stars; one submission).

Conditions:
Familial thoracic aortic aneurysm and aortic dissection (TAAD). Also called: Thoracic aortic aneurysms and dissections. Identifiers: Orphanet 91387, MedGen C4707243, MONDO:0019625.

gnomAD v4.1: 1 of 1,612,626 alleles (0.000062%); no homozygotes.

Submission:

Color Diagnostics, LLC DBA Color Health
Classification: Uncertain significance for Familial thoracic aortic aneurysm and aortic dissection. Last evaluated: 2025-05-12. Review status: criteria provided, single submitter. Criteria: ACMG Guidelines, 2015. Collection method: clinical testing. Allele origin: germline.
Comment: This missense variant replaces glycine with valine at codon 1278 of the MYH11 protein. Computational prediction suggests that this variant may not impact protein structure and function. To our knowledge, functional studies have not been reported for this variant. This variant has not been reported in individuals affected with MYH11-related disorders in the literature. This variant has been identified in 1/250452 chromosomes in the general population by the Genome Aggregation Database (gnomAD). The available evidence is insufficient to determine the role of this variant in disease conclusively. Therefore, this variant is classified as a Variant of Uncertain Significance.

NM_002474.3(MYH11):c.3812G>T (p.Gly1271Val)

Gene: MYH11 (myosin heavy chain 11; minus strand). Cytogenetic location: 16p13.11.
Variant type: single nucleotide variant.
Coding change: c.3812G>T on transcript NM_002474.3 (MANE Select); coding-DNA position 3812, G replaced by T.
Protein change: p.Gly1271Val; replaces glycine 1271 with valine.
Molecular consequence: missense variant.
Genome position (GRCh38, 1-based): chr16:15,726,894, C>A on the plus strand (G>T on the coding strand, the complement: MYH11 is on the minus strand). VCF-style: chr16-15726894-C-A. GRCh37 (hg19) VCF-style: chr16-15820751-C-A.
Other names: c.3833G>T, p.Gly1278Val (NM_001040113.2, NM_001040114.2); c.3812G>T, p.Gly1271Val (NM_022844.3); short protein forms G1271V, G1278V.
Identifiers: ClinVar variation 4758650 (VCV004758650.1).
Genomic context (GRCh38, chr16:15,726,894, plus strand): 5'-CGCCACCTCCTCACCTGCAGCTTGTGGACTTTGTCATTGAGCTCCGCCCGGGCCCGCTCC[C>A]CATCGCTGCACTTGGACTGCAGCTCCTGCACCTGCGCCTCCAGCTTCTTCTTCTTATGTT-3'
Protein context (NP_002465.1, residues 1261-1281): VQELQSKCSD[Gly1271Val]ERARAELNDK